The following is an entry in ClinVar:

NM_016628.5(WAC):c.1445del (p.Thr482fs)

Gene: WAC (WW domain containing adaptor with coiled-coil; plus strand). Cytogenetic location: 10p12.1.
Variant type: Deletion.
Coding change: c.1445del on transcript NM_016628.5 (MANE Select); coding-DNA position 1445, one base deleted (C; older notation c.1445delC).
Protein change: p.Thr482fs; shifts the reading frame from threonine 482.
Molecular consequence: frameshift variant.
Genome position (GRCh38, 1-based): chr10:28,614,574, C deleted. VCF-style (leftmost placement, unchanged base first): chr10-28614573-AC-A. GRCh37 (hg19) VCF-style: chr10-28903502-AC-A.
Other names: c.1310del, p.Thr437fs (NM_100264.3); c.1136del, p.Thr379fs (NM_100486.4); short protein forms T379fs, T437fs, T482fs.
Identifiers: ClinVar variation 3897635 (VCV003897635.1).
Genomic context (GRCh38, chr10:28,614,573, plus strand): 5'-GGGAGAGATGTGGATTAGATTTGGAGACCATCTCACCAGATTTTGACATTTCAGGTTAGT[AC>A]TCCAGTAGTTAAGCAAGGACCAGTGTCACAGTCAGCCACACAGCAGCCTGTAACTGCTGA-3'

ClinVar aggregate classification (germline): Likely pathogenic (1 of 4 stars; one submission).

Conditions:
DeSanto-Shinawi syndrome due to WAC point mutation (DESSH). Also called: Facial dysmorphism-developmental delay-behavioral abnormalities syndrome due to WAC point mutation; WAC-Related Intellectual Disability; DEVELOPMENTAL DELAY, BEHAVIORAL ABNORMALITIES, FACIAL DYSMORPHISM, AND OCULAR ABNORMALITIES. Identifiers: Orphanet 284169, Orphanet 466950, MedGen C5681129, MONDO:0014741, OMIM 616708.

Submission:

Genetics Laboratory, UDIAT-Centre Diagnòstic, Hospital Universitari Parc Tauli
Classification: Likely pathogenic for DeSanto-Shinawi syndrome due to WAC point mutation. Last evaluated: 2024-07-16. Review status: criteria provided, single submitter. Criteria: ACMG Guidelines, 2015. Collection method: clinical testing. Allele origin: unknown. Inheritance: Autosomal dominant inheritance. Affected: yes.
Comment: PVS1_very strong;PM2_supporting